The following is an entry in ClinVar:

ClinVar aggregate classification (germline): Uncertain significance (1 of 4 stars; one submission).

Conditions:
Emery-Dreifuss muscular dystrophy 4, autosomal dominant (EDMD4). Also called: EMERY-DREIFUSS MUSCULAR DYSTROPHY 4 WITH VARIABLE FEATURES. Identifiers: Orphanet 261, MedGen C2751807, MONDO:0013071, OMIM 612998.
Autosomal recessive ataxia, Beauce type. Also called: Spinocerebellar ataxia, autosomal recessive 8; ATAXIA, RECESSIVE, OF BEAUCE; SYNE1-Related Autosomal Recessive Cerebellar Ataxia; SYNE1 Deficiency. Identifiers: Orphanet 88644, MedGen C1853116, MONDO:0012549, OMIM 610743.

Submission:

Labcorp Genetics (formerly Invitae), Labcorp
Classification: Uncertain significance for Emery-Dreifuss muscular dystrophy 4, autosomal dominant; Autosomal recessive ataxia, Beauce type. Last evaluated: 2024-10-21. Review status: criteria provided, single submitter. Criteria: Invitae Variant Classification Sherloc (09022015). Collection method: clinical testing. Allele origin: germline.
Comment: This variant, c.26128_26130del, results in the deletion of 1 amino acid(s) of the SYNE1 protein (p.Leu8710del), but otherwise preserves the integrity of the reading frame. This variant is present in population databases (no rsID available, gnomAD 0.0009%). This variant has not been reported in the literature in individuals affected with SYNE1-related conditions. Experimental studies and prediction algorithms are not available or were not evaluated, and the functional significance of this variant is currently unknown. In summary, the available evidence is currently insufficient to determine the role of this variant in disease. Therefore, it has been classified as a Variant of Uncertain Significance.

NM_182961.4(SYNE1):c.26266CTC[2] (p.Leu8758del)

Genes: ESR1 (estrogen receptor 1; plus strand), SYNE1 (spectrin repeat containing nuclear envelope protein 1; minus strand). Cytogenetic location: 6q25.2.
Variant type: Microsatellite.
Coding change: c.26266CTC[2] on transcript NM_182961.4 (MANE Select); two copies in a row of the 3-base unit CTC starting at c.26266; the reference has three copies in a row; one copy, 3 bases deleted.
Protein change: p.Leu8758del; deletes leucine 8758.
Molecular consequence: inframe deletion. On other transcripts: 3 prime UTR variant (1), intron variant (1).
Genome position (GRCh38, 1-based): chr6:152,122,556-152,122,558, GAG deleted on the plus strand (CTC on the coding strand, the reverse complement: SYNE1 is on the minus strand); deleting any 3 consecutive bases within chr6:152,122,556-152,122,564 gives the same sequence; the position shown is the placement nearest the transcript's 3' end. VCF-style (leftmost placement, unchanged base first): chr6-152122555-TGAG-T. GRCh37 (hg19) VCF-style: chr6-152443690-TGAG-T.
Other names: c.*77CTC[2] (NM_001347701.2); c.2800CTC[2], p.Leu936del (NM_001347702.2); c.26122CTC[2], p.Leu8710del (NM_033071.5); c.851-2710GAG[2] (NM_001328100.2); short protein forms L8710del, L8758del, L936del.
Identifiers: ClinVar variation 1513254 (VCV001513254.9), dbSNP rs1310428962, ClinGen allele CA571437293.